The following is an entry in ClinVar:

NM_001034853.2(RPGR):c.*233A>C

Gene: RPGR (retinitis pigmentosa GTPase regulator; minus strand). Cytogenetic location: Xp11.4.
Variant type: single nucleotide variant.
Coding change: c.*233A>C on transcript NM_001034853.2 (MANE Select); 233 bases downstream of the stop codon, A replaced by C.
Molecular consequence: 3 prime UTR variant. On other transcripts: intron variant (8).
Genome position (GRCh38, 1-based): chrX:38,285,307, T>G on the plus strand (A>C on the coding strand, the complement: RPGR is on the minus strand). VCF-style: chrX-38285307-T-G. GRCh37 (hg19) VCF-style: chrX-38144560-T-G.
Other names: c.1569+5652A>C (NM_001367249.1, NM_001367250.1); c.1902+1787A>C (NM_001367245.1); c.1386+5652A>C (NM_001367251.1); c.1719+1787A>C (NM_001367246.1); c.1572+5652A>C (NM_001367247.1); c.1905+1787A>C (NM_000328.3); c.1602+5652A>C (NM_001367248.1).
Identifiers: ClinVar variation 1263089 (VCV001263089.4), dbSNP rs79675956, ClinGen allele CA327914093.

ClinVar aggregate classification (germline): Benign. Review status: reviewed by expert panel (3 of 4 stars). 3 submissions from 3 submitters: Benign (1). 2 of the submissions do not count toward it. Last evaluated 2025-08-01.

Conditions:
RPGR-related retinopathy. Also called: RPGR retinopathy. Identifiers: MedGen CN305589, MONDO:0100437.

Allele frequency attached by ClinVar (database versions not stated): gnomAD exomes 0.05746; gnomAD 0.09450; TOPMed 0.10579; 1000 Genomes Project 0.12954; 1000 Genomes Project 30x 0.13007.
gnomAD v4.1: 64,956 of 1,052,008 alleles (6.2%); highest among the groups gnomAD compares: African/African-American, 17%; 1,954 homozygotes.

Submissions (3):

ClinGen X-linked Inherited Retinal Disease Variant Curation Expert Panel, ClinGen
Classification: Benign for RPGR-related retinopathy. Last evaluated: 2025-08-01. Review status: reviewed by expert panel. Criteria: ClinGen X LinkedIRD ACMG Specifications RPGR V1.0.0. Collection method: curation. Allele origin: germline. Inheritance: X-linked inheritance.
Comment: NM_001034853.2(RPGR):c.*233A>C is a variant in the 3' untranslated region of the RPGR gene. This variant is present in gnomAD v4.1.0 at a frequency of 0.06327 among hemizygous individuals, with 20,369 variant alleles / 321,928 total alleles, which is higher than the ClinGen X-linked IRD VCEP BA1 threshold of >0.00005 (BA1). The splicing impact predictor SpliceAI gives a delta score of 0, which is below the ClinGen X-linked IRD VCEP recommended threshold of <0.1 and does not strongly predict an impact on splicing. However, BP4 is not considered applicable to 3' UTR variants in RPGR, so this code was not met. In summary, this variant is classified as benign for RPGR-related retinopathy based on the ClinGen X-linked Inherited Retinal Disease Expert Panel Specifications to the ACMG/AMP Variant Interpretation Guidelines for RPGR Version 1.0.0; BA1. (date of approval 05/16/2025).

GeneDx
Classification: Benign. Last evaluated: 2018-07-09. Review status: criteria provided, single submitter. Criteria: GeneDx Variant Classification Process June 2021. Collection method: clinical testing. Allele origin: germline. Affected: yes. Not counted in ClinVar's aggregate classification.

Breakthrough Genomics
Classification: Benign. Review status: criteria provided, single submitter. Criteria: ACMG Guidelines, 2015. Collection method: not provided. Allele origin: germline. Inheritance: X-linked inheritance. Affected: yes. Not counted in ClinVar's aggregate classification.